The following is an entry in ClinVar:

ClinVar aggregate classification (germline): Likely benign (0 of 4 stars; one submission).

Conditions:
ITIH6-related disorder. Also called: ITIH6-related condition.

Allele frequency attached by ClinVar (database versions not stated): gnomAD 0.00004; gnomAD exomes 0.00005; TOPMed 0.00013; ExAC 0.00026; 1000 Genomes Project 30x 0.00042.
gnomAD v4.1: 71 of 1,209,369 alleles (0.0059%); highest among the groups gnomAD compares: East Asian, 0.17%; no homozygotes.

Submission:

PreventionGenetics, part of Exact Sciences
Classification: Likely benign for ITIH6-related condition. Last evaluated: 2019-03-21. Review status: no assertion criteria provided. Collection method: clinical testing. Allele origin: germline.
Comment: This variant is classified as likely benign based on ACMG/AMP sequence variant interpretation guidelines (Richards et al. 2015 PMID: 25741868, with internal and published modifications).

NM_198510.3(ITIH6):c.2928A>G (p.Thr976=)

Gene: ITIH6 (inter-alpha-trypsin inhibitor heavy chain family member 6; minus strand). Cytogenetic location: Xp11.22.
Variant type: single nucleotide variant.
Coding change: c.2928A>G on transcript NM_198510.3 (MANE Select); coding-DNA position 2928, A replaced by G.
Protein change: p.Thr976=; no amino-acid change (threonine 976 retained).
Molecular consequence: synonymous variant.
Genome position (GRCh38, 1-based): chrX:54,757,146, T>C on the plus strand (A>G on the coding strand, the complement: ITIH6 is on the minus strand). VCF-style: chrX-54757146-T-C. GRCh37 (hg19) VCF-style: chrX-54783579-T-C.
Identifiers: ClinVar variation 3048238 (VCV003048238.2), dbSNP rs199657923, ClinGen allele CA10426031.